The following is an entry in ClinVar:

NM_020812.4(DOCK6):c.5088+7C>T

Genes: DOCK6 (dedicator of cytokinesis 6; minus strand), DOCK6-AS1 (DOCK6 antisense RNA 1; plus strand). Cytogenetic location: 19p13.2.
Variant type: single nucleotide variant.
Coding change: c.5088+7C>T on transcript NM_020812.4 (MANE Select); 7 bases into the intron after coding-DNA position 5088, C replaced by T.
Molecular consequence: intron variant.
Genome position (GRCh38, 1-based): chr19:11,208,679, G>A on the plus strand (C>T on the coding strand, the complement: DOCK6 is on the minus strand). VCF-style: chr19-11208679-G-A. GRCh37 (hg19) VCF-style: chr19-11319355-G-A.
Other names: c.5193+7C>T (NM_001367830.1).
Identifiers: ClinVar variation 713403 (VCV000713403.5), dbSNP rs929299193, ClinGen allele CA305304531.

ClinVar aggregate classification (germline): Likely benign. Review status: criteria provided, multiple submitters, no conflicts (2 of 4 stars). 2 submissions from 2 submitters: Likely benign (2). Last evaluated 2026-08-14.

Conditions:
DOCK6-related disorder. Also called: DOCK6-related condition.

Allele frequency attached by ClinVar (database versions not stated): gnomAD exomes below 0.00001.
gnomAD v4.1: 3 of 1,608,558 alleles (0.00019%); highest among the groups gnomAD compares: Admixed American, 0.0033%; no homozygotes.

Submissions (2):

PreventionGenetics, part of Exact Sciences
Classification: Likely benign for DOCK6-related condition. Last evaluated: 2026-08-14. Review status: criteria provided, single submitter. Criteria: ACMG Guidelines, 2015. Collection method: clinical testing. Allele origin: germline.
Comment: This variant is classified as likely benign based on ACMG/AMP sequence variant interpretation guidelines (Richards et al. 2015 PMID: 25741868, with internal and published modifications).

Labcorp Genetics (formerly Invitae), Labcorp
Classification: Likely benign. Last evaluated: 2025-06-07. Review status: criteria provided, single submitter. Criteria: Invitae Variant Classification Sherloc (09022015). Collection method: clinical testing. Allele origin: germline.